The following is an entry in ClinVar:

ClinVar aggregate classification (germline): Pathogenic. Review status: criteria provided, multiple submitters, no conflicts (2 of 4 stars). 2 submissions from 2 submitters: Pathogenic (2). Last evaluated 2023-11-25.

Conditions:
Ellis-van Creveld syndrome (EVC). Also called: EVC-Related Ellis-van Creveld Syndrome; EVC2-Related Ellis-van Creveld Syndrome; Chondroectodermal dysplasia; MESOECTODERMAL DYSPLASIA. Identifiers: Orphanet 289, MedGen C0013903, MONDO:0009162, OMIM 225500.
Curry-Hall syndrome (WAD). Also called: WEYERS ACRODENTAL DYSOSTOSIS. Identifiers: Orphanet 952, MedGen C0457013, MONDO:0008673, OMIM 193530.

Submissions (2):

Labcorp Genetics (formerly Invitae), Labcorp
Classification: Pathogenic for Curry-Hall syndrome; Ellis-van Creveld syndrome. Last evaluated: 2023-11-25. Review status: criteria provided, single submitter. Criteria: Invitae Variant Classification Sherloc (09022015). Collection method: clinical testing. Allele origin: germline.
Comment: This variant results in the deletion of part of exon 13 (c.1783_1886+40del) of the EVC gene. It is expected to disrupt RNA splicing. Variants that disrupt the donor or acceptor splice site typically lead to a loss of protein function (PMID: 16199547), and loss-of-function variants in EVC are known to be pathogenic (PMID: 23220543). This variant is not present in population databases (gnomAD no frequency). This variant has not been reported in the literature in individuals affected with EVC-related conditions. ClinVar contains an entry for this variant (Variation ID: 1322838). Algorithms developed to predict the effect of sequence changes on RNA splicing suggest that this variant may disrupt the consensus splice site. This variant disrupts a region of the EVC protein in which other variant(s) (p.Leu623Pro) have been determined to be pathogenic (PMID: 18947413, 19810119; Invitae). This suggests that this is a clinically significant region of the protein, and that variants that disrupt it are likely to be disease-causing. For these reasons, this variant has been classified as Pathogenic.

Revvity Omics, Revvity
Classification: Pathogenic. Last evaluated: 2021-06-10. Review status: criteria provided, single submitter. Criteria: ACMG Guidelines, 2015. Collection method: clinical testing. Allele origin: germline.

Literature cited by the submitters: PubMed 16199547 (cited by Labcorp Genetics (formerly Invitae), Labcorp); PubMed 23220543 (cited by Labcorp Genetics (formerly Invitae), Labcorp); PubMed 18947413 (cited by Labcorp Genetics (formerly Invitae), Labcorp); PubMed 19810119 (cited by Labcorp Genetics (formerly Invitae), Labcorp).

NM_153717.3(EVC):c.1783_1886+40del

Gene: EVC (EvC ciliary complex subunit 1; plus strand). Cytogenetic location: 4p16.2.
Variant type: Deletion.
Coding change: c.1783_1886+40del on transcript NM_153717.3 (MANE Select); coding-DNA position 1783 through 40 bases into the intron after coding-DNA position 1886, 144 bases deleted.
Molecular consequence: splice donor variant.
Genome position (GRCh38, 1-based): chr4:5,793,614-5,793,757, 144 bases deleted. GRCh37 (hg19): chr4:5,795,341-5,795,484.
Other names: c.1783_1886+40del (NM_001306090.2).
Identifiers: ClinVar variation 1322838 (VCV001322838.10), dbSNP rs2152326431, ClinGen allele CA1058844237.